The following is an entry in ClinVar:

NM_001379200.1(TBX1):c.1469C>T (p.Ser490Leu)

Gene: TBX1 (T-box transcription factor 1; plus strand). Cytogenetic location: 22q11.21.
Variant type: single nucleotide variant.
Coding change: c.1469C>T on transcript NM_001379200.1 (MANE Select); coding-DNA position 1469, C replaced by T.
Protein change: p.Ser490Leu; replaces serine 490 with leucine.
Molecular consequence: missense variant. On other transcripts: intron variant (2).
Genome position (GRCh38, 1-based): chr22:19,766,821, C>T. VCF-style: chr22-19766821-C-T. GRCh37 (hg19) VCF-style: chr22-19754344-C-T.
Other names: c.1442C>T, p.Ser481Leu (NM_080647.1); c.1009+819C>T (NM_005992.1, NM_080646.2); short protein forms S490L, S481L.
Identifiers: ClinVar variation 1397248 (VCV001397248.6), dbSNP rs770129913, ClinGen allele CA10102774.

ClinVar aggregate classification (germline): Uncertain significance (1 of 4 stars; one submission).

Conditions:
DiGeorge syndrome. Also called: THIRD AND FOURTH PHARYNGEAL POUCH SYNDROME; Catch22. Identifiers: Orphanet 567, MedGen C0012236, MONDO:0008564, OMIM 188400.

Allele frequency attached by ClinVar (database versions not stated): TOPMed below 0.00001; ExAC 0.00001; gnomAD 0.00001.
gnomAD v4.1: 7 of 1,561,150 alleles (0.00045%); highest among the groups gnomAD compares: African/African-American, 0.0014%; no homozygotes.

Submission:

Labcorp Genetics (formerly Invitae), Labcorp
Classification: Uncertain significance for DiGeorge syndrome. Last evaluated: 2025-05-03. Review status: criteria provided, single submitter. Criteria: Invitae Variant Classification Sherloc (09022015). Collection method: clinical testing. Allele origin: germline.
Comment: This sequence change replaces serine, which is neutral and polar, with leucine, which is neutral and non-polar, at codon 481 of the TBX1 protein (p.Ser481Leu). The frequency data for this variant in the population databases is considered unreliable, as metrics indicate poor data quality at this position in the gnomAD database. This variant has not been reported in the literature in individuals affected with TBX1-related conditions. ClinVar contains an entry for this variant (Variation ID: 1397248). An algorithm developed to predict the effect of missense changes on protein structure and function (PolyPhen-2) suggests that this variant is likely to be disruptive. In summary, the available evidence is currently insufficient to determine the role of this variant in disease. Therefore, it has been classified as a Variant of Uncertain Significance.